The following is an entry in ClinVar:

NM_019109.5(ALG1):c.176A>C (p.His59Pro)

Genes: ALG1 (ALG1 chitobiosyldiphosphodolichol beta-mannosyltransferase; plus strand), LOC130058384 (ATAC-STARR-seq lymphoblastoid active region 10349; plus strand). Cytogenetic location: 16p13.3.
Variant type: single nucleotide variant.
Coding change: c.176A>C on transcript NM_019109.5 (MANE Select); coding-DNA position 176, A replaced by C.
Protein change: p.His59Pro; replaces histidine 59 with proline.
Molecular consequence: missense variant.
Genome position (GRCh38, 1-based): chr16:5,072,025, A>C. VCF-style: chr16-5072025-A-C. GRCh37 (hg19) VCF-style: chr16-5122026-A-C.
Other names: short protein forms H59P.
Identifiers: ClinVar variation 1254626 (VCV001254626.11), dbSNP rs773372110, ClinGen allele CA277195874.

ClinVar aggregate classification (germline): Uncertain significance. Review status: criteria provided, multiple submitters, no conflicts (2 of 4 stars). 4 submissions from 4 submitters: Uncertain significance (4). Last evaluated 2025-06-12.

Conditions:
Inborn genetic diseases. Identifiers: MedGen C0950123, MeSH D030342.
ALG1-congenital disorder of glycosylation. Also called: ALG1-CDG; CDG Ik; CONGENITAL DISORDER OF GLYCOSYLATION, TYPE Ik. Identifiers: Orphanet 79327, MedGen C2931005, MONDO:0012052, OMIM 608540.

gnomAD v4.1: 14 of 1,595,252 alleles (0.00088%); highest among the groups gnomAD compares: African/African-American, 0.016%; no homozygotes.

Submissions (4):

Labcorp Genetics (formerly Invitae), Labcorp
Classification: Uncertain significance for ALG1-congenital disorder of glycosylation. Last evaluated: 2025-06-12. Review status: criteria provided, single submitter. Criteria: Invitae Variant Classification Sherloc (09022015). Collection method: clinical testing. Allele origin: germline.
Comment: This sequence change replaces histidine, which is basic and polar, with proline, which is neutral and non-polar, at codon 59 of the ALG1 protein (p.His59Pro). This variant is present in population databases (no rsID available, gnomAD 0.01%). This variant has not been reported in the literature in individuals affected with ALG1-related conditions. ClinVar contains an entry for this variant (Variation ID: 1254626). Invitae Evidence Modeling of protein sequence and biophysical properties (such as structural, functional, and spatial information, amino acid conservation, physicochemical variation, residue mobility, and thermodynamic stability) indicates that this missense variant is expected to disrupt ALG1 protein function with a positive predictive value of 95%. In summary, the available evidence is currently insufficient to determine the role of this variant in disease. Therefore, it has been classified as a Variant of Uncertain Significance.

Ambry Genetics
Classification: Uncertain significance for Inborn genetic diseases. Last evaluated: 2025-02-09. Review status: criteria provided, single submitter. Criteria: Ambry Variant Classification Scheme 2023. Collection method: clinical testing. Allele origin: germline.

Fulgent Genetics
Classification: Uncertain significance for ALG1-congenital disorder of glycosylation. Last evaluated: 2024-05-14. Review status: criteria provided, single submitter. Criteria: ACMG Guidelines, 2015. Collection method: clinical testing. Allele origin: germline.

GeneDx
Classification: Uncertain significance. Last evaluated: 2021-07-13. Review status: criteria provided, single submitter. Criteria: GeneDx Variant Classification Process June 2021. Collection method: clinical testing. Allele origin: germline. Affected: yes.
Comment: Not observed at significant frequency in large population cohorts (Lek et al., 2016); In silico analysis supports that this missense variant has a deleterious effect on protein structure/function; Has not been previously published as pathogenic or benign to our knowledge; This variant is associated with the following publications: (PMID: 27535533)